The following is an entry in ClinVar:

ClinVar aggregate classification (germline): Pathogenic. Review status: criteria provided, multiple submitters, no conflicts (2 of 4 stars). 2 submissions from 2 submitters: Pathogenic (2). Last evaluated 2026-01-26.

Conditions:
Alstrom syndrome (ALMS). Identifiers: Orphanet 64, MedGen C0268425, MONDO:0008763, OMIM 203800.

Allele frequency attached by ClinVar (database versions not stated): gnomAD 0.00001; gnomAD exomes 0.00001; TOPMed 0.00001.
gnomAD v4.1: 14 of 1,613,898 alleles (0.00087%); highest among the groups gnomAD compares: Non-Finnish European, 0.0012%; no homozygotes.

Submissions (2):

Labcorp Genetics (formerly Invitae), Labcorp
Classification: Pathogenic for Alstrom syndrome. Last evaluated: 2026-01-26. Review status: criteria provided, single submitter. Criteria: Invitae Variant Classification Sherloc (09022015). Collection method: clinical testing. Allele origin: germline.
Comment: This sequence change creates a premature translational stop signal (p.Ser745*) in the ALMS1 gene. It is expected to result in an absent or disrupted protein product. Loss-of-function variants in ALMS1 are known to be pathogenic (PMID: 17594715). This variant is present in population databases (no rsID available, gnomAD 0.0009%). This premature translational stop signal has been observed in individual(s) with Alström syndrome (PMID: 25846608, 30064963). ClinVar contains an entry for this variant (Variation ID: 2076229). For these reasons, this variant has been classified as Pathogenic.

Natera, Inc.
Classification: Pathogenic for Alstrom syndrome. Last evaluated: 2025-01-06. Review status: criteria provided, single submitter. Criteria: Natera Variant Classification Schema (03/2026). Collection method: clinical testing. Allele origin: germline.
Comment: The c.2234C>G variant in ALMS1 is a nonsense variant predicted to introduce a stop codon at amino acid 745. This variant is expected to result in nonsense mediated decay, truncation, or a dysfunctional protein product. This variant is rare in the general population with a frequency below the threshold expected for the associated phenotype(s). This variant has been observed in one or more individuals affected with the associated recessive disease, as either homozygous or compound heterozygous with a second variant (PMID: 28610912). Given the available evidence, this variant is classified as Pathogenic.

Literature cited by the submitters: PubMed 17594715 (cited by Labcorp Genetics (formerly Invitae), Labcorp); PubMed 25846608 (cited by Labcorp Genetics (formerly Invitae), Labcorp); PubMed 30064963 (cited by Labcorp Genetics (formerly Invitae), Labcorp); PubMed 28610912 (cited by Natera, Inc.).

NM_001378454.1(ALMS1):c.2231C>G (p.Ser744Ter)

Gene: ALMS1 (ALMS1 centrosome and basal body associated protein; plus strand). Cytogenetic location: 2p13.1.
Variant type: single nucleotide variant.
Coding change: c.2231C>G on transcript NM_001378454.1 (MANE Select); coding-DNA position 2231, C replaced by G.
Protein change: p.Ser744Ter; replaces serine 744 with a stop codon.
Molecular consequence: nonsense.
Genome position (GRCh38, 1-based): chr2:73,448,758, C>G. VCF-style: chr2-73448758-C-G. GRCh37 (hg19) VCF-style: chr2-73675885-C-G.
Other names: c.2234C>G, p.Ser745Ter (NM_015120.4); short protein forms S744*, S745*.
Identifiers: ClinVar variation 2076229 (VCV002076229.5), dbSNP rs1242023655, ClinGen allele CA347267329.
Genomic context (GRCh38, chr2:73,448,758, plus strand): 5'-TTTTTTACCAACAAGAGTTCGCAGACAGTCATCAAACTGAAGAGACTCTTACTAAAGTTT[C>G]AGCCACTCCTGGACCAGCTGACCAGAAGACTGAGATACCAGCAGTACAGTCTAGTTCTTA-3'